The following is an entry in ClinVar:

ClinVar aggregate classification (germline): Uncertain significance (1 of 4 stars; one submission).

Conditions:
MKS1-related disorder. Also called: MKS1-related condition; MKS1-related disorders. Identifiers: MedGen CN239382.

gnomAD v4.1: 4 of 1,553,806 alleles (0.00026%); highest among the groups gnomAD compares: Non-Finnish European, 0.00035%; no homozygotes.

Submission:

PreventionGenetics, part of Exact Sciences
Classification: Uncertain significance for MKS1-related condition. Last evaluated: 2023-03-22. Review status: criteria provided, single submitter. Criteria: ACMG Guidelines, 2015. Collection method: clinical testing. Allele origin: germline.
Comment: The MKS1 c.1667C>A variant is predicted to result in the amino acid substitution p.Pro556His. To our knowledge, this variant has not been reported in the literature or in a large population database, indicating this variant is rare. At this time, the clinical significance of this variant is uncertain due to the absence of conclusive functional and genetic evidence.

NM_017777.4(MKS1):c.*70C>A

Gene: MKS1 (MKS transition zone complex subunit 1; minus strand). Cytogenetic location: 17q22.
Variant type: single nucleotide variant.
Coding change: c.*70C>A on transcript NM_017777.4 (MANE Select); 70 bases downstream of the stop codon, C replaced by A.
Molecular consequence: 3 prime UTR variant. On other transcripts: missense variant (1).
Genome position (GRCh38, 1-based): chr17:58,206,009, G>T on the plus strand (C>A on the coding strand, the complement: MKS1 is on the minus strand). VCF-style: chr17-58206009-G-T. GRCh37 (hg19) VCF-style: chr17-56283370-G-T.
Other names: c.*70C>A (NM_001321268.2); c.1667C>A, p.Pro556His (NM_001321269.2); c.*162C>A (NM_001330397.2); short protein forms P556H.
Identifiers: ClinVar variation 2632071 (VCV002632071.1), dbSNP rs2509400297, ClinGen allele CA2638958876.